The following is an entry in ClinVar:

NM_177438.3(DICER1):c.3731A>G (p.Asp1244Gly)

Gene: DICER1 (dicer 1, ribonuclease III; minus strand). Cytogenetic location: 14q32.13.
Variant type: single nucleotide variant.
Coding change: c.3731A>G on transcript NM_177438.3 (MANE Select); coding-DNA position 3731, A replaced by G.
Protein change: p.Asp1244Gly; replaces aspartic acid 1244 with glycine.
Molecular consequence: missense variant. On other transcripts: non-coding transcript variant (6).
Genome position (GRCh38, 1-based): chr14:95,103,665, T>C on the plus strand (A>G on the coding strand, the complement: DICER1 is on the minus strand). VCF-style: chr14-95103665-T-C. GRCh37 (hg19) VCF-style: chr14-95570002-T-C.
Other names: c.3731A>G, p.Asp1244Gly (NM_001195573.1, NM_001271282.3, NM_001291628.2 and 12 more transcripts); c.3449A>G, p.Asp1150Gly (NM_001395686.1); c.3326A>G, p.Asp1109Gly (NM_001395687.1, NM_001395688.1, NM_001395689.1 and 2 more transcripts); c.3164A>G, p.Asp1055Gly (NM_001395691.1); c.2048A>G, p.Asp683Gly (NM_001395697.1); short protein forms D1150G, D1109G, D1055G, D1244G, D683G.
Identifiers: ClinVar variation 3272042 (VCV003272042.1).

ClinVar aggregate classification (germline): Uncertain significance (1 of 4 stars; one submission).

Conditions:
Hereditary cancer-predisposing syndrome. Also called: Tumor predisposition; Hereditary Cancer Syndrome; Hereditary neoplastic syndrome; Neoplastic Syndromes, Hereditary. Identifiers: Orphanet 140162, MedGen C0027672, MeSH D009386, MONDO:0015356.

Submission:

Ambry Genetics
Classification: Uncertain significance for Hereditary cancer-predisposing syndrome. Last evaluated: 2024-06-03. Review status: criteria provided, single submitter. Criteria: Ambry Variant Classification Scheme 2023. Collection method: clinical testing. Allele origin: germline.
Comment: The p.D1244G variant (also known as c.3731A>G), located in coding exon 20 of the DICER1 gene, results from an A to G substitution at nucleotide position 3731. The aspartic acid at codon 1244 is replaced by glycine, an amino acid with similar properties. This amino acid position is conserved. In addition, the in silico prediction for this alteration is inconclusive. Based on the available evidence, the clinical significance of this variant remains unclear.